The following is an entry in ClinVar:

ClinVar aggregate classification (germline): Pathogenic. Review status: criteria provided, multiple submitters, no conflicts (2 of 4 stars). 8 submissions from 8 submitters: Pathogenic (8). Last evaluated 2025-11-19.

Conditions:
NF1-related disorder. Also called: NF1-related condition. Identifiers: MedGen CN379171.
Cardiovascular phenotype. Identifiers: MedGen CN230736.
Hereditary cancer-predisposing syndrome. Also called: Neoplastic Syndromes, Hereditary; Hereditary Cancer Syndrome; Tumor predisposition; Hereditary neoplastic syndrome. Identifiers: Orphanet 140162, MedGen C0027672, MeSH D009386, MONDO:0015356.
Neurofibromatosis, type 1 (NF1). Also called: Neurofibromatosis, type I; NEUROFIBROMATOSIS, TYPE I, SOMATIC; Peripheral type neurofibromatosis; VON RECKLINGHAUSEN DISEASE. Identifiers: Orphanet 636, MedGen C0027831, MONDO:0018975, OMIM 162200. Disease mechanism: loss of function.

Submissions (8):

Labcorp Genetics (formerly Invitae), Labcorp
Classification: Pathogenic for Neurofibromatosis, type 1. Last evaluated: 2025-11-19. Review status: criteria provided, single submitter. Criteria: Invitae Variant Classification Sherloc (09022015). Collection method: clinical testing. Allele origin: germline.
Comment: This sequence change creates a premature translational stop signal (p.Cys1016Serfs*4) in the NF1 gene. It is expected to result in an absent or disrupted protein product. Loss-of-function variants in NF1 are known to be pathogenic (PMID: 10712197, 23913538). This variant is not present in population databases (gnomAD no frequency). This premature translational stop signal has been observed in individual(s) with neurofibromatosis type I (PMID: 16835897). Invitae Evidence Modeling of clinical and family history, age, sex, and reported ancestry of multiple individuals with this NF1 variant has been performed. This variant is expected to be pathogenic with a positive predictive value of at least 99%. This is a validated machine learning model that incorporates the clinical features of 1,785,918 individuals referred to our laboratory for NF1 testing. ClinVar contains an entry for this variant (Variation ID: 663702). For these reasons, this variant has been classified as Pathogenic.

Ambry Genetics
Classification: Pathogenic for Cardiovascular phenotype; Hereditary cancer-predisposing syndrome. Last evaluated: 2025-09-29. Review status: criteria provided, single submitter. Criteria: Ambry Variant Classification Scheme 2023. Collection method: clinical testing. Allele origin: germline.
Comment: The c.3047_3048delGT pathogenic mutation, located in coding exon 23 of the NF1 gene, results from a deletion of two nucleotides at nucleotide positions 3047 to 3048, causing a translational frameshift with a predicted alternate stop codon (p.C1016Sfs*4). This alteration has been observed in individuals with a personal and/or family history that is consistent with neurofibromatosis type 1-related disease (Lee MJ et al. Hum Mutat, 2006 Aug;27:832; Ko JM et al. Pediatr Neurol, 2013 Jun;48:447-53; Bianchessi D et al. Mol Genet Genomic Med, 2015 Nov;3:513-25; Melloni G et al. Cancers (Basel), 2019 11;11; Ambry internal data). This variant is considered to be rare based on population cohorts in the Genome Aggregation Database (gnomAD). This alteration is expected to result in loss of function by premature protein truncation or nonsense-mediated mRNA decay. As such, this alteration is interpreted as a disease-causing mutation.

ARUP Laboratories, Molecular Genetics and Genomics, ARUP Laboratories
Classification: Pathogenic. Last evaluated: 2025-01-17. Review status: criteria provided, single submitter. Criteria: ARUP Molecular Germline Variant Investigation Process 2024. Collection method: clinical testing. Allele origin: germline.
Comment: The NF1 c.3047_3048del; p.Cys1016SerfsTer4 variant (rs1597716910, ClinVar Variation ID 663702) is reported in the literature in multiple individuals with a diagnosis or clinical suspicion of neurofibromatosis type I (Bianchessi 2015, Bildirici 2023, Ko 2013, Lee 2006, Melloni 2019, Sabbagh 2013). This variant is absent from the Genome Aggregation Database (v2.1.1), indicating it is not a common polymorphism. This variant causes a frameshift by deleting two nucleotides, so it is predicted to result in a truncated protein or mRNA subject to nonsense-mediated decay. Based on available information, this variant is considered to be pathogenic. References: Bianchessi D et al. 126 novel mutations in Italian patients with neurofibromatosis type 1. Mol Genet Genomic Med. 2015 Jul 7;3(6):513-25. PMID: 26740943. Bildirici Y et al. Evaluation of Molecular and Clinical Findings in Children With Neurofibromatosis Type 1: Identification of 15 Novel Variants. Pediatr Neurol. 2023 Dec;149:69-74. PMID: 37806041. Ko JM et al. Mutation spectrum of NF1 and clinical characteristics in 78 Korean patients with neurofibromatosis type 1. Pediatr Neurol. 2013 Jun;48(6):447-53. PMID: 23668869. Lee MJ et al. Identification of forty-five novel and twenty-three known NF1 mutations in Chinese patients with neurofibromatosis type 1. Hum Mutat. 2006 Aug;27(8):832. PMID: 16835897. Melloni G et al. Risk of Optic Pathway Glioma in Neurofibromatosis Type 1: No Evidence of Genotype-Phenotype Correlations in A Large Independent Cohort. Cancers (Basel). 2019 Nov 21;11(12):1838. PMID: 31766501. Sabbagh A. NF1 molecular characterization and neurofibromatosis type I genotype-phenotype correlation: the French experience. Hum Mutat. 2013 Nov;34(11):1510-8. PMID: 23913538.

GeneDx
Classification: Pathogenic. Last evaluated: 2023-08-15. Review status: criteria provided, single submitter. Criteria: GeneDx Variant Classification Process June 2021. Collection method: clinical testing. Allele origin: germline. Affected: yes.
Comment: Frameshift variant predicted to result in protein truncation or nonsense mediated decay in a gene for which loss of function is a known mechanism of disease; Not observed at significant frequency in large population cohorts (gnomAD); This variant is associated with the following publications: (PMID: 16835897, 31766501, 23668869, 26740943)

PreventionGenetics, part of Exact Sciences
Classification: Pathogenic for NF1-related condition. Last evaluated: 2023-04-19. Review status: criteria provided, single submitter. Criteria: ACMG Guidelines, 2015. Collection method: clinical testing. Allele origin: germline.
Comment: The NF1 c.3047_3048delGT variant is predicted to result in a frameshift and premature protein termination (p.Cys1016Serfs*4). This variant has been reported in an individual with neurofibromatosis type 1 (Lee et al. 2006. PubMed ID: 16835897). This variant has not been reported in a large population database, indicating this variant is rare. Frameshift variants in NF1 are expected to be pathogenic and this variant is interpreted as pathogenic in ClinVar. This variant is interpreted as pathogenic.

Blueprint Genetics
Classification: Pathogenic for NF1-related disorders. Last evaluated: 2022-10-25. Review status: criteria provided, single submitter. Criteria: ACMG Guidelines, 2015. Collection method: clinical testing. Allele origin: germline. Affected: yes. Observed: 1 variant allele.

Genome-Nilou Lab
Classification: Pathogenic for Neurofibromatosis, type 1. Last evaluated: 2022-03-15. Review status: criteria provided, single submitter. Criteria: ACMG Guidelines, 2015. Collection method: clinical testing. Allele origin: germline. Affected: no.

Mendelics
Classification: Pathogenic for Neurofibromatosis, type 1. Last evaluated: 2019-05-28. Review status: criteria provided, single submitter. Criteria: Mendelics Assertion Criteria 2017. Collection method: clinical testing. Allele origin: unknown.

Literature cited by the submitters: PubMed 10712197 (cited by Labcorp Genetics (formerly Invitae), Labcorp); PubMed 23913538 (cited by Labcorp Genetics (formerly Invitae), Labcorp); PubMed 16835897 (cited by Labcorp Genetics (formerly Invitae), Labcorp and Ambry Genetics); PubMed 23668869 (cited by Ambry Genetics); PubMed 26740943 (cited by Ambry Genetics); PubMed 31766501 (cited by Ambry Genetics).

NM_001042492.3(NF1):c.3047_3048del (p.Cys1016fs)

Gene: NF1 (neurofibromin 1; plus strand). Cytogenetic location: 17q11.2.
Variant type: Microsatellite.
Coding change: c.3047_3048del on transcript NM_001042492.3 (MANE Select); coding-DNA positions 3047 to 3048, 2 bases deleted (GT; older notation c.3047_3048delGT).
Protein change: p.Cys1016fs; shifts the reading frame from cysteine 1016.
Molecular consequence: frameshift variant.
Genome position (GRCh38, 1-based): chr17:31,230,316-31,230,317, GT deleted; deleting any 2 consecutive bases within chr17:31,230,313-31,230,317 gives the same sequence; the c. name uses the placement nearest the transcript's 3' end. VCF-style (leftmost placement, unchanged base first): chr17-31230312-CTG-C. GRCh37 (hg19) VCF-style: chr17-29557330-CTG-C.
Other names: c.3047_3048delGT (NM_000267.3, NM_001042492.2); c.3045_3046GT[1], p.Cys1016Serfs (NM_000267.4); short protein forms C1016fs.
Identifiers: ClinVar variation 663702 (VCV000663702.15), dbSNP rs1597716910, ClinGen allele CA645578897.